The following is an entry in ClinVar:

ClinVar aggregate classification (germline): Uncertain significance (1 of 4 stars; one submission).

Submission:

GeneDx
Classification: Uncertain significance. Last evaluated: 2025-04-13. Review status: criteria provided, single submitter. Criteria: GeneDx Variant Classification Process June 2021. Collection method: clinical testing. Allele origin: germline. Affected: yes.
Comment: Not observed at significant frequency in large population cohorts (gnomAD); In silico analysis supports that this missense variant has a deleterious effect on protein structure/function; Has not been previously published as pathogenic or benign to our knowledge

NM_000834.5(GRIN2B):c.1143C>G (p.Asp381Glu)

Gene: GRIN2B (glutamate ionotropic receptor NMDA type subunit 2B; minus strand). Cytogenetic location: 12p13.1.
Variant type: single nucleotide variant.
Coding change: c.1143C>G on transcript NM_000834.5 (MANE Select); coding-DNA position 1143, C replaced by G.
Protein change: p.Asp381Glu; replaces aspartic acid 381 with glutamic acid.
Molecular consequence: missense variant.
Genome position (GRCh38, 1-based): chr12:13,616,640, G>C on the plus strand (C>G on the coding strand, the complement: GRIN2B is on the minus strand). VCF-style: chr12-13616640-G-C. GRCh37 (hg19) VCF-style: chr12-13769574-G-C.
Other names: c.1143C>G, p.Asp381Glu (NM_001413992.1); short protein forms D381E.
Identifiers: ClinVar variation 3777365 (VCV003777365.1).